The following is an entry in ClinVar:

ClinVar aggregate classification (germline): Uncertain significance (1 of 4 stars; one submission).

Allele frequency attached by ClinVar (database versions not stated): gnomAD 0.00001; gnomAD exomes 0.00001; TOPMed 0.00002.
gnomAD v4.1: 11 of 1,551,286 alleles (0.00071%); highest among the groups gnomAD compares: Admixed American, 0.002%; no homozygotes.

Submission:

Labcorp Genetics (formerly Invitae), Labcorp
Classification: Uncertain significance. Last evaluated: 2021-06-20. Review status: criteria provided, single submitter. Criteria: Invitae Variant Classification Sherloc (09022015). Collection method: clinical testing. Allele origin: germline.
Comment: In summary, the available evidence is currently insufficient to determine the role of this variant in disease. Therefore, it has been classified as a Variant of Uncertain Significance. Algorithms developed to predict the effect of missense changes on protein structure and function are either unavailable or do not agree on the potential impact of this missense change (SIFT: "Not Available"; PolyPhen-2: "Probably Damaging"; Align-GVGD: "Not Available"). This variant has not been reported in the literature in individuals with UNC80-related conditions. This variant is not present in population databases (ExAC no frequency). This sequence change replaces arginine with cysteine at codon 1231 of the UNC80 protein (p.Arg1231Cys). The arginine residue is moderately conserved and there is a large physicochemical difference between arginine and cysteine.

NM_001371986.1(UNC80):c.3685C>T (p.Arg1229Cys)

Genes: UNC80 (unc-80 homolog, NALCN channel complex subunit; plus strand), LOC121725110 (Sharpr-MPRA regulatory region 8902; plus strand). Cytogenetic location: 2q34.
Variant type: single nucleotide variant.
Coding change: c.3685C>T on transcript NM_001371986.1 (MANE Select); coding-DNA position 3685, C replaced by T.
Protein change: p.Arg1229Cys; replaces arginine 1229 with cysteine.
Molecular consequence: missense variant.
Genome position (GRCh38, 1-based): chr2:209,872,815, C>T. VCF-style: chr2-209872815-C-T. GRCh37 (hg19) VCF-style: chr2-210737539-C-T.
Other names: c.3691C>T, p.Arg1231Cys (NM_032504.2); c.3676C>T, p.Arg1226Cys (NM_182587.4); short protein forms R1229C, R1231C, R1226C.
Identifiers: ClinVar variation 1500353 (VCV001500353.7), dbSNP rs1024823820, ClinGen allele CA65035360.
Genomic context (GRCh38, chr2:209,872,815, plus strand): 5'-CAGGAAGCCCCTGTGGTGGCCAGAGCAGCCTTGTTCCTGGAATGTGCTCGTTTTGTTCAC[C>T]GCTGCAACCGTGGCAACTGGCCAGAGTGGATGAAAGGGCACCACGTGAACATCACCAAGA-3'
Protein context (NP_001358915.1, residues 1219-1239): LFLECARFVH[Arg1229Cys]CNRGNWPEWM